The following is an entry in ClinVar:

NM_001622.4(AHSG):c.81T>C (p.Tyr27=)

Gene: AHSG (alpha 2-HS glycoprotein; plus strand). Cytogenetic location: 3q27.3.
Variant type: single nucleotide variant.
Coding change: c.81T>C on transcript NM_001622.4 (MANE Select); coding-DNA position 81, T replaced by C.
Protein change: p.Tyr27=; no amino-acid change (tyrosine 27 retained).
Molecular consequence: synonymous variant.
Genome position (GRCh38, 1-based): chr3:186,613,222, T>C. VCF-style: chr3-186613222-T-C. GRCh37 (hg19) VCF-style: chr3-186331011-T-C.
Other names: c.81T>C, p.Tyr27= (NM_001354571.2, NM_001354572.2, NM_001354573.2).
Identifiers: ClinVar variation 2654333 (VCV002654333.24), dbSNP rs749972989, ClinGen allele CA2744765.

ClinVar aggregate classification (germline): Likely benign (1 of 4 stars; one submission).

Allele frequency attached by ClinVar (database versions not stated): ExAC 0.00001; gnomAD exomes 0.00001; gnomAD 0.00005; TOPMed 0.00005.

Submission:

CeGaT Center for Human Genetics Tuebingen
Classification: Likely benign. Last evaluated: 2022-04-01. Review status: criteria provided, single submitter. Criteria: CeGaT Center For Human Genetics Tuebingen Variant Classification Criteria Version 2. Collection method: clinical testing. Allele origin: germline. Affected: yes. Observed: 1 variant allele.
Comment: AHSG: BP4, BP7